The following is an entry in ClinVar:

NM_001029896.2(WDR45):c.485del (p.Pro162fs)

Gene: WDR45 (WD repeat domain 45; minus strand). Cytogenetic location: Xp11.23.
Variant type: Deletion.
Coding change: c.485del on transcript NM_001029896.2 (MANE Select); coding-DNA position 485, one base deleted (C; older notation c.485delC).
Protein change: p.Pro162fs; shifts the reading frame from proline 162.
Molecular consequence: frameshift variant.
Genome position (GRCh38, 1-based): chrX:49,075,897, G deleted on the plus strand (C on the coding strand, the reverse complement: WDR45 is on the minus strand); the first of 3 consecutive G bases (chrX:49,075,897-49,075,899); deleting any one gives the same sequence. VCF-style (leftmost placement, unchanged base first): chrX-49075896-CG-C. GRCh37 (hg19) VCF-style: chrX-48933555-CG-C.
Other names: c.488del, p.Pro163fs (NM_007075.4); short protein forms P162fs, P163fs.
Identifiers: ClinVar variation 3897168 (VCV003897168.1).

ClinVar aggregate classification (germline): Pathogenic (1 of 4 stars; one submission).

Submission:

GeneDx
Classification: Pathogenic. Last evaluated: 2024-10-29. Review status: criteria provided, single submitter. Criteria: GeneDx Variant Classification Process June 2021. Collection method: clinical testing. Allele origin: germline. Affected: yes.
Comment: Frameshift variant predicted to result in protein truncation or nonsense mediated decay in a gene for which loss of function is a known mechanism of disease; Not observed at significant frequency in large population cohorts (gnomAD); This variant is associated with the following publications: (PMID: 25301227, 29981852, 33057194)